The following is an entry in ClinVar:

ClinVar aggregate classification (germline): Benign/Likely benign. Review status: criteria provided, multiple submitters, no conflicts (2 of 4 stars). 4 submissions from 4 submitters: Benign (1); Likely benign (2). 1 of the submissions does not count toward it. Last evaluated 2026-01-21.

Conditions:
POLR3A-related disorder. Also called: POLR3A-related disorders; POLR3A-related condition. Identifiers: MedGen CN378587, MONDO:0700276.
Leukodystrophy, hypomyelinating, 7, with or without oligodontia and/or hypogonadotropic hypogonadism (HLD7). Also called: LEUKODYSTROPHY, HYPOMYELINATING, 7, WITH OLIGODONTIA; LEUKODYSTROPHY, HYPOMYELINATING, 7, WITH OLIGODONTIA AND HYPOGONADOTROPIC HYPOGONADISM; LEUKODYSTROPHY, HYPOMYELINATING, 7, WITHOUT OLIGODONTIA OR HYPOGONADOTROPIC HYPOGONADISM; LEUKOENCEPHALOPATHY, HYPOMYELINATING, WITH ATAXIA AND DELAYED DENTITION; ATAXIA, DELAYED DENTITION, AND HYPOMYELINATION; Ataxia, Delayed Dentition and Hypomyelination (ADDH). Identifiers: Orphanet 137639, Orphanet 447893, Orphanet 447896, Orphanet 77295, Orphanet 88637, MedGen CN034185, MONDO:0011897, OMIM 607694.

Allele frequency attached by ClinVar (database versions not stated): gnomAD 0.00001 and 0.00016; TOPMed 0.00003; gnomAD exomes 0.00028 and 0.00056; ExAC 0.00067; 1000 Genomes Project 0.00100; 1000 Genomes Project 30x 0.00109.
gnomAD v4.1: 425 of 1,614,102 alleles (0.026%); highest among the groups gnomAD compares: South Asian, 0.45%; 5 homozygotes.

Submissions (4):

Labcorp Genetics (formerly Invitae), Labcorp
Classification: Benign. Last evaluated: 2026-01-21. Review status: criteria provided, single submitter. Criteria: Invitae Variant Classification Sherloc (09022015). Collection method: clinical testing. Allele origin: germline.

Blueprint Genetics
Classification: Likely benign. Last evaluated: 2024-05-08. Review status: criteria provided, single submitter. Criteria: ACMG Guidelines, 2015. Collection method: clinical testing. Allele origin: germline.

Illumina Laboratory Services, Illumina
Classification: Likely benign for Leukodystrophy, hypomyelinating, 7, with or without oligodontia and/or hypogonadotropic hypogonadism. Last evaluated: 2018-01-13. Review status: criteria provided, single submitter. Criteria: ICSL Variant Classification Criteria 13 December 2019. Collection method: clinical testing. Allele origin: germline.
Comment: This variant was observed in the ICSL laboratory as part of a predisposition screen in an ostensibly healthy population. It had not been previously curated by ICSL or reported in the Human Gene Mutation Database (HGMD: prior to June 1st, 2018), and was therefore a candidate for classification through an automated scoring system. Utilizing variant allele frequency, disease prevalence and penetrance estimates, and inheritance mode, an automated score was calculated to assess if this variant is too frequent to cause the disease. Based on the score and internal cut-off values, a variant classified as likely benign is not then subjected to further curation. The score for this variant resulted in a classification of likely benign for this disease.

PreventionGenetics, part of Exact Sciences
Classification: Likely benign for POLR3A-related condition. Last evaluated: 2019-07-18. Review status: no assertion criteria provided. Collection method: clinical testing. Allele origin: germline. Not counted in ClinVar's aggregate classification.
Comment: This variant is classified as likely benign based on ACMG/AMP sequence variant interpretation guidelines (Richards et al. 2015 PMID: 25741868, with internal and published modifications).

NM_007055.4(POLR3A):c.2031A>G (p.Ala677=)

Gene: POLR3A (RNA polymerase III subunit A; minus strand). Cytogenetic location: 10q22.3.
Variant type: single nucleotide variant.
Coding change: c.2031A>G on transcript NM_007055.4 (MANE Select); coding-DNA position 2031, A replaced by G.
Protein change: p.Ala677=; no amino-acid change (alanine 677 retained).
Molecular consequence: synonymous variant.
Genome position (GRCh38, 1-based): chr10:78,007,745, T>C on the plus strand (A>G on the coding strand, the complement: POLR3A is on the minus strand). VCF-style: chr10-78007745-T-C. GRCh37 (hg19) VCF-style: chr10-79767503-T-C.
Identifiers: ClinVar variation 301062 (VCV000301062.15), dbSNP rs562035665, ClinGen allele CA5571253.
Genomic context (GRCh38, chr10:78,007,745, plus strand): 5'-GATGCTGAGATACTTACACAGGTAGACAGGAGCCAGCCTGGCGAGCCGTGACATGGCATC[T>C]GCAGCTTCATTCTGTCCCCAGTCTCGCAGCAAAATGTAAAAAATATTGTTCTTGGATCCT-3'
Protein context (NP_008986.2, residues 667-687): LLRDWGQNEA[Ala677=]DAMSRLARLA